The following is an entry in ClinVar:

NM_004826.4(ECEL1):c.2151+2T>C

Gene: ECEL1 (endothelin converting enzyme like 1; minus strand). Cytogenetic location: 2q37.1.
Variant type: single nucleotide variant.
Coding change: c.2151+2T>C on transcript NM_004826.4 (MANE Select); the canonical splice donor site of the intron after coding-DNA position 2151, T replaced by C.
Molecular consequence: splice donor variant.
Genome position (GRCh38, 1-based): chr2:232,480,716, A>G on the plus strand (T>C on the coding strand, the complement: ECEL1 is on the minus strand). VCF-style: chr2-232480716-A-G. GRCh37 (hg19) VCF-style: chr2-233345426-A-G.
Other names: c.2145+2T>C (NM_001290787.2).
Identifiers: ClinVar variation 1806040 (VCV001806040.2), dbSNP rs762979130, ClinGen allele CA2166933.

ClinVar aggregate classification (germline): Likely pathogenic. Review status: criteria provided, multiple submitters, no conflicts (2 of 4 stars). 2 submissions from 2 submitters: Likely pathogenic (2). Last evaluated 2021-01-21.

Conditions:
Distal arthrogryposis type 5D (DA5D). Identifiers: Orphanet 329457, MedGen C3554415, MONDO:0014028, OMIM 615065.
ECEL1-related disorders.

Allele frequency attached by ClinVar (database versions not stated): TOPMed below 0.00001; ExAC 0.00001; gnomAD 0.00001.

Submissions (2):

Blueprint Genetics
Classification: Likely pathogenic for ECEL1-related disorders. Last evaluated: 2021-01-21. Review status: criteria provided, single submitter. Criteria: ACMG Guidelines, 2015. Collection method: clinical testing. Allele origin: germline. Affected: yes. Observed: 2 variant alleles.

Victorian Clinical Genetics Services, Murdoch Childrens Research Institute
Classification: Likely pathogenic for Distal arthrogryposis type 5D. Last evaluated: 2020-05-04. Review status: criteria provided, single submitter. Criteria: ACMG Guidelines, 2015. Collection method: clinical testing. Allele origin: germline. Inheritance: Autosomal recessive inheritance. Affected: yes.
Comment: Based on the classification scheme VCGS_Germline_v1.1.1, this variant is classified as likely pathogenic. Following criteria are met: 0102 - Loss-of-function is a known mechanism of disease for this gene. (N) 0106 - This gene is known to be associated with autosomal recessive disease. (N) 0211 - Canonical splice site variant without proven consequence on splicing (no functional evidence available) (intron 16 of 17). (P) 0251 - Variant is heterozygous. (N) 0304 - Variant is present in gnomAD <0.01 for a recessive condition (1 heterozygote, 0 homozygote). (P) 0505 - Abnormal splicing is predicted by in silico tools and affected nucleotide is highly conserved. (P) 0703 - Comparable splice variants at the same nucleotide have moderate previous evidence for pathogenicity, and have been reported in a single homozygous patient with distal arthrogryposis (ClinVar). (P) 0807 - Variant has not previously been reported in a clinical context. (N) 0905 - No segregation evidence has been identified for this variant. (N) 1007 - No published functional evidence has been identified for this variant. (N) Legend: (P) - Pathogenic, (N) - Neutral, (B) - Benign